The following is an entry in ClinVar:

NM_020911.2(PLXNA4):c.4093C>T (p.Leu1365=)

Gene: PLXNA4 (plexin A4; minus strand). Cytogenetic location: 7q32.3.
Variant type: single nucleotide variant.
Coding change: c.4093C>T on transcript NM_020911.2 (MANE Select); coding-DNA position 4093, C replaced by T.
Protein change: p.Leu1365=; no amino-acid change (leucine 1365 retained).
Molecular consequence: synonymous variant.
Genome position (GRCh38, 1-based): chr7:132,168,497, G>A on the plus strand (C>T on the coding strand, the complement: PLXNA4 is on the minus strand). VCF-style: chr7-132168497-G-A. GRCh37 (hg19) VCF-style: chr7-131853256-G-A.
Other names: c.4093C>T, p.Leu1365= (NM_001393897.1).
Identifiers: ClinVar variation 3346797 (VCV003346797.1).
Genomic context (GRCh38, chr7:132,168,497, plus strand): 5'-TGCCACGGTCGCGCATGGAGAAGCTACGCTGGGACTCAAGCGTGCGGATGAAGGACAGCA[G>A]GAACACCTTGTTGTTGATGAGCTGGGCGAAGAGCTTCAGGCCTTTCTCCACACGCTCCTG-3'
Protein context (NP_065962.1, residues 1355-1375): FAQLINNKVF[Leu1365=]LSFIRTLESQ

ClinVar aggregate classification (germline): Likely benign (0 of 4 stars; one submission).

Conditions:
PLXNA4-related disorder. Also called: PLXNA4-related condition.

gnomAD v4.1: 1 of 1,613,624 alleles (0.000062%); highest among the groups gnomAD compares: African/African-American, 0.0013%; no homozygotes.

Submission:

PreventionGenetics, part of Exact Sciences
Classification: Likely benign for PLXNA4-related condition. Last evaluated: 2024-05-27. Review status: no assertion criteria provided. Collection method: clinical testing. Allele origin: germline.
Comment: This variant is classified as likely benign based on ACMG/AMP sequence variant interpretation guidelines (Richards et al. 2015 PMID: 25741868, with internal and published modifications).